The following is an entry in ClinVar:

ClinVar aggregate classification (germline): Uncertain significance (1 of 4 stars; one submission).

Conditions:
Ehlers-Danlos syndrome, classic type, 1 (EDSCL1). Also called: EDS I; Ehlers-Danlos syndrome, type 1; EHLERS-DANLOS SYNDROME, GRAVIS TYPE; EHLERS-DANLOS SYNDROME, SEVERE CLASSIC TYPE; Ehlers-Danlos Syndrome, Classic Type, COL5A1-Related. Identifiers: MedGen C0268335, MONDO:0019567, OMIM 130000.

Submission:

Labcorp Genetics (formerly Invitae), Labcorp
Classification: Uncertain significance for Ehlers-Danlos syndrome, classic type, 1. Last evaluated: 2022-12-12. Review status: criteria provided, single submitter. Criteria: Invitae Variant Classification Sherloc (09022015). Collection method: clinical testing. Allele origin: germline.
Comment: ClinVar contains an entry for this variant (Variation ID: 1720555). This variant has not been reported in the literature in individuals affected with COL5A2-related conditions. This variant is not present in population databases (gnomAD no frequency). This sequence change replaces alanine, which is neutral and non-polar, with serine, which is neutral and polar, at codon 421 of the COL5A2 protein (p.Ala421Ser). Advanced modeling of protein sequence and biophysical properties (such as structural, functional, and spatial information, amino acid conservation, physicochemical variation, residue mobility, and thermodynamic stability) performed at Invitae indicates that this missense variant is not expected to disrupt COL5A2 protein function. In summary, the available evidence is currently insufficient to determine the role of this variant in disease. Therefore, it has been classified as a Variant of Uncertain Significance.

NM_000393.5(COL5A2):c.1261G>T (p.Ala421Ser)

Gene: COL5A2 (collagen type V alpha 2 chain; minus strand). Cytogenetic location: 2q32.2.
Variant type: single nucleotide variant.
Coding change: c.1261G>T on transcript NM_000393.5 (MANE Select); coding-DNA position 1261, G replaced by T.
Protein change: p.Ala421Ser; replaces alanine 421 with serine.
Molecular consequence: missense variant.
Genome position (GRCh38, 1-based): chr2:189,068,267, C>A on the plus strand (G>T on the coding strand, the complement: COL5A2 is on the minus strand). VCF-style: chr2-189068267-C-A. GRCh37 (hg19) VCF-style: chr2-189932993-C-A.
Other names: short protein forms A421S.
Identifiers: ClinVar variation 1720555 (VCV001720555.6), dbSNP rs200839338, ClinGen allele CA349853027.